The following is an entry in ClinVar:

NM_006545.5(NPRL2):c.1111A>T (p.Asn371Tyr)

Gene: NPRL2 (NPR2 like, GATOR1 complex subunit; minus strand). Cytogenetic location: 3p21.31.
Variant type: single nucleotide variant.
Coding change: c.1111A>T on transcript NM_006545.5 (MANE Select); coding-DNA position 1111, A replaced by T.
Protein change: p.Asn371Tyr; replaces asparagine 371 with tyrosine.
Molecular consequence: missense variant.
Genome position (GRCh38, 1-based): chr3:50,347,638, T>A on the plus strand (A>T on the coding strand, the complement: NPRL2 is on the minus strand). VCF-style: chr3-50347638-T-A. GRCh37 (hg19) VCF-style: chr3-50385069-T-A.
Other names: short protein forms N371Y.
Identifiers: ClinVar variation 1723479 (VCV001723479.2), dbSNP rs2470931036, ClinGen allele CA352947197.
Genomic context (GRCh38, chr3:50,347,638, plus strand): 5'-CAATGTGTCCATCCAGTCACTACCAGCCTCACTTCCAGCAGATGATGATGTTGGGGTCAT[T>A]TTCAAGCCGCTCATCCAGCTCATGGTAGCTCATGCCTGGGTGGGGTGGTGGAGGAGAGGT-3'
Protein context (NP_006536.3, residues 361-380): SYHELDERLE[Asn371Tyr]DPNIIICWK

ClinVar aggregate classification (germline): Uncertain significance (1 of 4 stars; one submission).

Submission:

GeneDx
Classification: Uncertain significance. Last evaluated: 2022-05-09. Review status: criteria provided, single submitter. Criteria: GeneDx Variant Classification Process June 2021. Collection method: clinical testing. Allele origin: germline. Affected: yes.
Comment: Not observed at significant frequency in large population cohorts (gnomAD); In silico analysis supports that this missense variant has a deleterious effect on protein structure/function; Has not been previously published as pathogenic or benign to our knowledge